The following is an entry in ClinVar:

NM_001364171.2(ODAD1):c.1973del (p.Gly658fs)

Gene: ODAD1 (outer dynein arm docking complex subunit 1; minus strand). Cytogenetic location: 19q13.33.
Variant type: Deletion.
Coding change: c.1973del on transcript NM_001364171.2 (MANE Select); coding-DNA position 1973, one base deleted (G; older notation c.1973delG).
Protein change: p.Gly658fs; shifts the reading frame from glycine 658.
Molecular consequence: frameshift variant.
Genome position (GRCh38, 1-based): chr19:48,297,127, C deleted on the plus strand (G on the coding strand, the reverse complement: ODAD1 is on the minus strand); the first of 4 consecutive C bases (chr19:48,297,127-48,297,130); deleting any one gives the same sequence. VCF-style (leftmost placement, unchanged base first): chr19-48297126-GC-G. GRCh37 (hg19) VCF-style: chr19-48800383-GC-G.
Other names: c.1862delG (NM_144577.3); c.1862del, p.Gly621fs (NM_144577.4); short protein forms G621fs, G658fs.
Identifiers: ClinVar variation 952160 (VCV000952160.9), dbSNP rs769187045, ClinGen allele CA9548516.
Genomic context (GRCh38, chr19:48,297,126, plus strand): 5'-GCCTCCGCTCGAATCAGACGCTGTGCCTCCGCTCTCCACACCACCCTCTGTGTTTTCTCC[GC>G]CCCTGCTGGACCCCACGTATCCAGTGGAGCCCAGGTAGCTGCTGGCGCTGACGGGTCTGA-3'

ClinVar aggregate classification (germline): Uncertain significance. Review status: criteria provided, multiple submitters, no conflicts (2 of 4 stars). 4 submissions from 4 submitters: Uncertain significance (4). Last evaluated 2023-04-03.

Conditions:
Primary ciliary dyskinesia. Also called: Ciliary dyskinesia. Identifiers: Orphanet 244, MedGen C0008780, MONDO:0016575, HP:0012265.

Submissions (4):

Ambry Genetics
Classification: Uncertain significance for Primary ciliary dyskinesia. Last evaluated: 2023-04-03. Review status: criteria provided, single submitter. Criteria: Ambry Variant Classification Scheme 2023. Collection method: clinical testing. Allele origin: germline.
Comment: The c.1862delG variant, located in coding exon 13 of the CCDC114 gene, results from a deletion of one nucleotide at nucleotide position 1862, causing a translational frameshift with a predicted alternate stop codon (p.G621Afs*126). This alteration occurs at the 3' terminus of the CCDC114 gene, is not expected to trigger nonsense-mediated mRNAdecay, and only impacts the last 7% of the protein. The exact functional effect of this alteration is unknown. Since supporting evidence is limited at this time, the clinical significance of this alteration remains unclear.

Labcorp Genetics (formerly Invitae), Labcorp
Classification: Uncertain significance for Primary ciliary dyskinesia. Last evaluated: 2022-08-10. Review status: criteria provided, single submitter. Criteria: Invitae Variant Classification Sherloc (09022015). Collection method: clinical testing. Allele origin: germline.
Comment: This sequence change results in a frameshift in the CCDC114 gene (p.Gly621Alafs*126). While this is not anticipated to result in nonsense mediated decay, it is expected to disrupt the last 50 amino acid(s) of the CCDC114 protein and extend the protein by 75 additional amino acid residues. This variant is present in population databases (rs769187045, gnomAD 0.03%). This variant has not been reported in the literature in individuals affected with CCDC114-related conditions. ClinVar contains an entry for this variant (Variation ID: 952160). Experimental studies and prediction algorithms are not available or were not evaluated, and the functional significance of this variant is currently unknown. In summary, the available evidence is currently insufficient to determine the role of this variant in disease. Therefore, it has been classified as a Variant of Uncertain Significance.

GeneDx
Classification: Uncertain significance. Last evaluated: 2022-06-13. Review status: criteria provided, single submitter. Criteria: GeneDx Variant Classification Process June 2021. Collection method: clinical testing. Allele origin: germline. Affected: yes.
Comment: Frameshift variant in which the last 50 amino acids are replaced with 125 different amino acids; Has not been previously published as pathogenic or benign to our knowledge

Blueprint Genetics
Classification: Uncertain significance. Last evaluated: 2022-06-09. Review status: criteria provided, single submitter. Criteria: ACMG Guidelines, 2015. Collection method: clinical testing. Allele origin: germline.